The following is an entry in ClinVar:

NM_139276.3(STAT3):c.545A>G (p.Gln182Arg)

Gene: STAT3 (signal transducer and activator of transcription 3; minus strand). Cytogenetic location: 17q21.2.
Variant type: single nucleotide variant.
Coding change: c.545A>G on transcript NM_139276.3 (MANE Select); coding-DNA position 545, A replaced by G.
Protein change: p.Gln182Arg; replaces glutamine 182 with arginine.
Molecular consequence: missense variant.
Genome position (GRCh38, 1-based): chr17:42,338,736, T>C on the plus strand (A>G on the coding strand, the complement: STAT3 is on the minus strand). VCF-style: chr17-42338736-T-C. GRCh37 (hg19) VCF-style: chr17-40490754-T-C.
Other names: c.545A>G, p.Gln182Arg (NM_001369512.1, NM_001369513.1, NM_001369514.1 and 15 more transcripts); c.467A>G, p.Gln156Arg (NM_001384985.1); c.449A>G, p.Gln150Arg (NM_001384989.1); short protein forms Q150R, Q156R, Q182R.
Identifiers: ClinVar variation 3755179 (VCV003755179.2).

ClinVar aggregate classification (germline): Uncertain significance (1 of 4 stars; one submission).

Conditions:
Hyper-IgE recurrent infection syndrome 1, autosomal dominant. Also called: STAT3 Hyper IgE Syndrome; Hyper-IgE recurrent infection syndrome 1; JOB SYNDROME; Job's Syndrome; HYPER-IgE SYNDROME 1, AUTOSOMAL DOMINANT, WITH RECURRENT INFECTIONS. Identifiers: Orphanet 2314, MedGen C2936739, MONDO:0007818, OMIM 147060.
STAT3 gain of function. Identifiers: MedGen C4288261.

Submission:

Labcorp Genetics (formerly Invitae), Labcorp
Classification: Uncertain significance for STAT3 gain of function; Hyper-IgE recurrent infection syndrome 1, autosomal dominant. Last evaluated: 2024-03-07. Review status: criteria provided, single submitter. Criteria: Invitae Variant Classification Sherloc (09022015). Collection method: clinical testing. Allele origin: germline.
Comment: This sequence change replaces glutamine, which is neutral and polar, with arginine, which is basic and polar, at codon 182 of the STAT3 protein (p.Gln182Arg). This variant is not present in population databases (gnomAD no frequency). This variant has not been reported in the literature in individuals affected with STAT3-related conditions. Advanced modeling of protein sequence and biophysical properties (such as structural, functional, and spatial information, amino acid conservation, physicochemical variation, residue mobility, and thermodynamic stability) performed at Invitae indicates that this missense variant is not expected to disrupt STAT3 protein function with a negative predictive value of 80%. In summary, the available evidence is currently insufficient to determine the role of this variant in disease. Therefore, it has been classified as a Variant of Uncertain Significance.